The following is an entry in ClinVar:

NM_020937.4(FANCM):c.3494C>G (p.Thr1165Ser)

Gene: FANCM (FA complementation group M; plus strand). Cytogenetic location: 14q21.2.
Variant type: single nucleotide variant.
Coding change: c.3494C>G on transcript NM_020937.4 (MANE Select); coding-DNA position 3494, C replaced by G.
Protein change: p.Thr1165Ser; replaces threonine 1165 with serine.
Molecular consequence: missense variant.
Genome position (GRCh38, 1-based): chr14:45,176,248, C>G. VCF-style: chr14-45176248-C-G. GRCh37 (hg19) VCF-style: chr14-45645451-C-G.
Other names: c.3416C>G, p.Thr1139Ser (NM_001308133.2); short protein forms T1165S, T1139S.
Identifiers: ClinVar variation 949519 (VCV000949519.11), dbSNP rs200110609, ClinGen allele CA259628342.

ClinVar aggregate classification (germline): Uncertain significance. Review status: criteria provided, multiple submitters, no conflicts (2 of 4 stars). 2 submissions from 2 submitters: Uncertain significance (2). Last evaluated 2025-04-10.

Conditions:
Inborn genetic diseases. Identifiers: MedGen C0950123, MeSH D030342.
Fanconi anemia (FA). Also called: Fanconi's anemia. Identifiers: Orphanet 84, MedGen C0015625, MeSH D005199, MONDO:0019391.

Allele frequency attached by ClinVar (database versions not stated): 1000 Genomes Project 30x 0.00031.

Submissions (2):

Labcorp Genetics (formerly Invitae), Labcorp
Classification: Uncertain significance for Fanconi anemia. Last evaluated: 2025-04-10. Review status: criteria provided, single submitter. Criteria: Invitae Variant Classification Sherloc (09022015). Collection method: clinical testing. Allele origin: germline.
Comment: This sequence change replaces threonine, which is neutral and polar, with serine, which is neutral and polar, at codon 1165 of the FANCM protein (p.Thr1165Ser). This variant is not present in population databases (gnomAD no frequency). This variant has not been reported in the literature in individuals affected with FANCM-related conditions. ClinVar contains an entry for this variant (Variation ID: 949519). An algorithm developed to predict the effect of missense changes on protein structure and function (PolyPhen-2) suggests that this variant is likely to be tolerated. In summary, the available evidence is currently insufficient to determine the role of this variant in disease. Therefore, it has been classified as a Variant of Uncertain Significance.

Ambry Genetics
Classification: Uncertain significance for Inborn genetic diseases. Last evaluated: 2025-01-24. Review status: criteria provided, single submitter. Criteria: Ambry Variant Classification Scheme 2023. Collection method: clinical testing. Allele origin: germline.
Comment: The p.T1165S variant (also known as c.3494C>G), located in coding exon 14 of the FANCM gene, results from a C to G substitution at nucleotide position 3494. The threonine at codon 1165 is replaced by serine, an amino acid with similar properties. This amino acid position is conserved. In addition, this alteration is predicted to be tolerated by in silico analysis. Based on the available evidence, the clinical significance of this variant remains unclear.